The following is an entry in ClinVar:

NM_182925.5(FLT4):c.1904C>G (p.Thr635Arg)

Gene: FLT4 (fms related receptor tyrosine kinase 4; minus strand). Cytogenetic location: 5q35.3.
Variant type: single nucleotide variant.
Coding change: c.1904C>G on transcript NM_182925.5 (MANE Select); coding-DNA position 1904, C replaced by G.
Protein change: p.Thr635Arg; replaces threonine 635 with arginine.
Molecular consequence: missense variant.
Genome position (GRCh38, 1-based): chr5:180,621,658, G>C on the plus strand (C>G on the coding strand, the complement: FLT4 is on the minus strand). VCF-style: chr5-180621658-G-C. GRCh37 (hg19) VCF-style: chr5-180048658-G-C.
Other names: c.1904C>G, p.Thr635Arg (NM_001354989.2, NM_002020.5); short protein forms T635R.
Identifiers: ClinVar variation 4982178 (VCV004982178.1).

ClinVar aggregate classification (germline): Uncertain significance (1 of 4 stars; one submission).

Conditions:
FLT4-related disorder. Also called: FLT4-related condition.

gnomAD v4.1: 2 of 1,609,358 alleles (0.00012%); highest among the groups gnomAD compares: South Asian, 0.0011%; no homozygotes.

Submission:

PreventionGenetics, part of Exact Sciences
Classification: Uncertain significance for FLT4-related condition. Last evaluated: 2026-08-21. Review status: criteria provided, single submitter. Criteria: ACMG Guidelines, 2015. Collection method: clinical testing. Allele origin: germline.
Comment: The FLT4 c.1904C>G variant is predicted to result in the amino acid substitution p.Thr635Arg. To our knowledge, this variant has not been reported in the literature. This variant is reported in 0.0033% of alleles in individuals of South Asian descent in gnomAD. At this time, the clinical significance of this variant is uncertain due to the absence of conclusive functional and genetic evidence.